The following is an entry in ClinVar:

ClinVar aggregate classification (germline): Uncertain significance. Review status: criteria provided, multiple submitters, no conflicts (2 of 4 stars). 3 submissions from 3 submitters: Uncertain significance (3). Last evaluated 2024-10-24.

Conditions:
Inborn genetic diseases. Identifiers: MedGen C0950123, MeSH D030342.

Allele frequency attached by ClinVar (database versions not stated): gnomAD exomes 0.00004; gnomAD 0.00006; ExAC 0.00015; TOPMed 0.00018.
gnomAD v4.1: 66 of 1,554,082 alleles (0.0042%); highest among the groups gnomAD compares: Admixed American, 0.045%; no homozygotes.

Submissions (3):

Labcorp Genetics (formerly Invitae), Labcorp
Classification: Uncertain significance. Last evaluated: 2024-10-24. Review status: criteria provided, single submitter. Criteria: Invitae Variant Classification Sherloc (09022015). Collection method: clinical testing. Allele origin: germline.
Comment: This sequence change replaces tyrosine, which is neutral and polar, with cysteine, which is neutral and slightly polar, at codon 636 of the HERC1 protein (p.Tyr636Cys). This variant is present in population databases (rs751013810, gnomAD 0.05%). This variant has not been reported in the literature in individuals affected with HERC1-related conditions. ClinVar contains an entry for this variant (Variation ID: 2079476). Invitae Evidence Modeling of protein sequence and biophysical properties (such as structural, functional, and spatial information, amino acid conservation, physicochemical variation, residue mobility, and thermodynamic stability) indicates that this missense variant is not expected to disrupt HERC1 protein function with a negative predictive value of 80%. In summary, the available evidence is currently insufficient to determine the role of this variant in disease. Therefore, it has been classified as a Variant of Uncertain Significance.

Ambry Genetics
Classification: Uncertain significance for Inborn genetic diseases. Last evaluated: 2024-03-15. Review status: criteria provided, single submitter. Criteria: Ambry Variant Classification Scheme 2023. Collection method: clinical testing. Allele origin: germline.

GeneDx
Classification: Uncertain significance. Last evaluated: 2022-11-15. Review status: criteria provided, single submitter. Criteria: GeneDx Variant Classification Process June 2021. Collection method: clinical testing. Allele origin: germline. Affected: yes.
Comment: In silico analysis supports that this missense variant has a deleterious effect on protein structure/function; Has not been previously published as pathogenic or benign to our knowledge

NM_003922.4(HERC1):c.1907A>G (p.Tyr636Cys)

Gene: HERC1 (HECT and RLD domain containing E3 ubiquitin protein ligase family member 1; minus strand). Cytogenetic location: 15q22.31.
Variant type: single nucleotide variant.
Coding change: c.1907A>G on transcript NM_003922.4 (MANE Select); coding-DNA position 1907, A replaced by G.
Protein change: p.Tyr636Cys; replaces tyrosine 636 with cysteine.
Molecular consequence: missense variant.
Genome position (GRCh38, 1-based): chr15:63,749,787, T>C on the plus strand (A>G on the coding strand, the complement: HERC1 is on the minus strand). VCF-style: chr15-63749787-T-C. GRCh37 (hg19) VCF-style: chr15-64041986-T-C.
Other names: c.1907A>G (NM_003922.3); short protein forms Y636C.
Identifiers: ClinVar variation 2079476 (VCV002079476.5), dbSNP rs751013810, ClinGen allele CA7606355.